The following is an entry in ClinVar:

NM_201253.3(CRB1):c.995_996del (p.Thr332fs)

Gene: CRB1 (crumbs cell polarity complex component 1; plus strand). Cytogenetic location: 1q31.3.
Variant type: Microsatellite.
Coding change: c.995_996del on transcript NM_201253.3 (MANE Select); coding-DNA positions 995 to 996, 2 bases deleted (CA; older notation c.995_996delCA).
Protein change: p.Thr332fs; shifts the reading frame from threonine 332.
Molecular consequence: frameshift variant. On other transcripts: non-coding transcript variant (2).
Genome position (GRCh38, 1-based): chr1:197,356,837-197,356,838, CA deleted; deleting any 2 consecutive bases within chr1:197,356,834-197,356,838 gives the same sequence; the c. name uses the placement nearest the transcript's 3' end. VCF-style (leftmost placement, unchanged base first): chr1-197356833-TAC-T. GRCh37 (hg19) VCF-style: chr1-197325963-TAC-T.
Other names: c.659_660del, p.Thr220fs (NM_001193640.2); c.788_789del, p.Thr263fs (NM_001257965.2); c.995_996del, p.Thr332fs (NM_001257966.2); short protein forms T263fs, T332fs, T220fs.
Identifiers: ClinVar variation 840786 (VCV000840786.10), dbSNP rs1660503192, ClinGen allele CA916082097.
Genomic context (GRCh38, chr1:197,356,833, plus strand): 5'-AATGCTCTATAATTCAACACCTTTGACTTAGCAGCTTCTCTGAATTTTCATCATGCAGGA[TAC>T]ACAGGTGCCCAGTGTGAGATCGACCTCAATGAATGCAATAGTAACCCCTGCCAGTCCAAT-3'

ClinVar aggregate classification (germline): Pathogenic/Likely pathogenic. Review status: criteria provided, multiple submitters, no conflicts (2 of 4 stars). 2 submissions from 2 submitters: Pathogenic (1); Likely pathogenic (1). Last evaluated 2023-04-07.

Conditions:
Retinitis pigmentosa 12 (RP12). Also called: RP WITH OR WITHOUT PPRPE; RP WITH OR WITHOUT PRESERVED PARAARTERIOLE RETINAL PIGMENT EPITHELIUM; RETINITIS PIGMENTOSA WITH OR WITHOUT PARAARTERIOLAR PRESERVATION OF RETINAL PIGMENT EPITHELIUM. Identifiers: Orphanet 791, MedGen C1838647, MONDO:0010818, OMIM 600105.
Leber congenital amaurosis 8 (LCA8). Identifiers: Orphanet 65, MedGen C3151202, MONDO:0013453, OMIM 613835.

Submissions (2):

Baylor Genetics
Classification: Likely pathogenic for Leber congenital amaurosis 8. Last evaluated: 2023-04-07. Review status: criteria provided, single submitter. Criteria: ACMG Guidelines, 2015. Collection method: clinical testing. Allele origin: unknown.

Labcorp Genetics (formerly Invitae), Labcorp
Classification: Pathogenic for Leber congenital amaurosis 8; Retinitis pigmentosa 12. Last evaluated: 2022-08-14. Review status: criteria provided, single submitter. Criteria: Invitae Variant Classification Sherloc (09022015). Collection method: clinical testing. Allele origin: germline.
Comment: This sequence change creates a premature translational stop signal (p.Thr332Argfs*5) in the CRB1 gene. It is expected to result in an absent or disrupted protein product. Loss-of-function variants in CRB1 are known to be pathogenic (PMID: 10508521, 22065545, 23379534, 25412400, 26957898, 28041643, 29391521). For these reasons, this variant has been classified as Pathogenic. ClinVar contains an entry for this variant (Variation ID: 840786). This variant has not been reported in the literature in individuals affected with CRB1-related conditions. This variant is not present in population databases (gnomAD no frequency).

Literature cited by the submitters: PubMed 10508521 (cited by Labcorp Genetics (formerly Invitae), Labcorp); PubMed 22065545 (cited by Labcorp Genetics (formerly Invitae), Labcorp); PubMed 23379534 (cited by Labcorp Genetics (formerly Invitae), Labcorp); PubMed 25412400 (cited by Labcorp Genetics (formerly Invitae), Labcorp); PubMed 26957898 (cited by Labcorp Genetics (formerly Invitae), Labcorp); PubMed 28041643 (cited by Labcorp Genetics (formerly Invitae), Labcorp); PubMed 29391521 (cited by Labcorp Genetics (formerly Invitae), Labcorp).